The following is an entry in ClinVar:

NM_015354.3(NUP188):c.1005A>G (p.Pro335=)

Gene: NUP188 (nucleoporin 188; plus strand). Cytogenetic location: 9q34.11.
Variant type: single nucleotide variant.
Coding change: c.1005A>G on transcript NM_015354.3 (MANE Select); coding-DNA position 1005, A replaced by G.
Protein change: p.Pro335=; no amino-acid change (proline 335 retained).
Molecular consequence: synonymous variant.
Genome position (GRCh38, 1-based): chr9:128,970,850, A>G. VCF-style: chr9-128970850-A-G. GRCh37 (hg19) VCF-style: chr9-131733129-A-G.
Identifiers: ClinVar variation 3027238 (VCV003027238.22), dbSNP rs1052429762, ClinGen allele CA200433245.

ClinVar aggregate classification (germline): Likely benign (1 of 4 stars; one submission).

Allele frequency attached by ClinVar (database versions not stated): TOPMed below 0.00001; gnomAD 0.00001.
gnomAD v4.1: 2 of 1,614,046 alleles (0.00012%); highest among the groups gnomAD compares: African/African-American, 0.0013%; no homozygotes.

Submission:

CeGaT Center for Human Genetics Tuebingen
Classification: Likely benign. Last evaluated: 2024-02-01. Review status: criteria provided, single submitter. Criteria: CeGaT Center For Human Genetics Tuebingen Variant Classification Criteria Version 2. Collection method: clinical testing. Allele origin: germline. Affected: yes. Observed: 1 variant allele.
Comment: NUP188: BP4, BP7